The following is an entry in ClinVar:

ClinVar aggregate classification (germline): Pathogenic/Likely pathogenic. Review status: criteria provided, multiple submitters, no conflicts (2 of 4 stars). 5 submissions from 5 submitters: Pathogenic (4); Likely pathogenic (1). Last evaluated 2023-08-25.

Conditions:
Lynch syndrome 5 (LYNCH5). Also called: Colorectal cancer, hereditary nonpolyposis, type 5; Hereditary non-polyposis colorectal cancer, type 5. Identifiers: Orphanet 144, MedGen C1833477, MONDO:0013710, OMIM 614350. Disease mechanism: loss of function.
Hereditary nonpolyposis colorectal neoplasms. Identifiers: MedGen C0009405, MeSH D003123.
Hereditary cancer-predisposing syndrome. Also called: Neoplastic Syndromes, Hereditary; Tumor predisposition; Hereditary neoplastic syndrome; Hereditary Cancer Syndrome. Identifiers: Orphanet 140162, MedGen C0027672, MeSH D009386, MONDO:0015356.
Endometrial carcinoma. Also called: Endometrial carcinoma, somatic. Identifiers: MedGen C0476089, MONDO:0002447, OMIM 608089, HP:0012114.

Submissions (5):

Myriad Genetics, Inc.
Classification: Pathogenic for Lynch syndrome 5. Last evaluated: 2023-08-25. Review status: criteria provided, single submitter. Criteria: Myriad Autosomal Dominant, Autosomal Recessive and X-Linked Classification Criteria (2023). Collection method: clinical testing. Allele origin: unknown.
Comment: This variant is considered pathogenic. This variant creates a frameshift predicted to result in premature protein truncation.

Baylor Genetics
Classification: Likely pathogenic for Endometrial carcinoma. Last evaluated: 2022-12-08. Review status: criteria provided, single submitter. Criteria: ACMG Guidelines, 2015. Collection method: clinical testing. Allele origin: unknown.

Labcorp Genetics (formerly Invitae), Labcorp
Classification: Pathogenic for Hereditary nonpolyposis colorectal neoplasms. Last evaluated: 2022-10-27. Review status: criteria provided, single submitter. Criteria: Invitae Variant Classification Sherloc (09022015). Collection method: clinical testing. Allele origin: germline.
Comment: This sequence change creates a premature translational stop signal (p.Glu1234Asnfs*6) in the MSH6 gene. It is expected to result in an absent or disrupted protein product. Loss-of-function variants in MSH6 are known to be pathogenic (PMID: 18269114, 24362816). This variant is not present in population databases (gnomAD no frequency). This variant has not been reported in the literature in individuals affected with MSH6-related conditions. ClinVar contains an entry for this variant (Variation ID: 566264). For these reasons, this variant has been classified as Pathogenic.

Ambry Genetics
Classification: Pathogenic for Hereditary cancer-predisposing syndrome. Last evaluated: 2020-08-05. Review status: criteria provided, single submitter. Criteria: Ambry Variant Classification Scheme 2023. Collection method: clinical testing. Allele origin: germline.
Comment: The c.3699delA pathogenic mutation, located in coding exon 8 of the MSH6 gene, results from a deletion of one nucleotide at nucleotide position 3699, causing a translational frameshift with a predicted alternate stop codon (p.E1234Nfs*6). This alteration is expected to result in loss of function by premature protein truncation or nonsense-mediated mRNA decay. As such, this alteration is interpreted as a disease-causing mutation.

Color Diagnostics, LLC DBA Color Health
Classification: Pathogenic for Hereditary cancer-predisposing syndrome. Last evaluated: 2020-04-01. Review status: criteria provided, single submitter. Criteria: ACMG Guidelines, 2015. Collection method: clinical testing. Allele origin: germline.
Comment: This variant deletes 1 nucleotide in exon 8 of the MSH6 gene, creating a frameshift and premature translation stop signal. This variant is expected to result in an absent or non-functional protein product. To our knowledge, this variant has not been reported in individuals affected with hereditary cancer in the literature. This variant has not been identified in the general population by the Genome Aggregation Database (gnomAD). Loss of MSH6 function is a known mechanism of disease. Based on the available evidence, this variant is classified as Pathogenic.

Literature cited by the submitters: PubMed 18269114 (cited by Labcorp Genetics (formerly Invitae), Labcorp); PubMed 24362816 (cited by Labcorp Genetics (formerly Invitae), Labcorp).

NM_000179.3(MSH6):c.3699del (p.Glu1234fs)

Gene: MSH6 (mutS homolog 6; plus strand). Cytogenetic location: 2p16.3.
Variant type: Deletion.
Coding change: c.3699del on transcript NM_000179.3 (MANE Select); coding-DNA position 3699, one base deleted (A; older notation c.3699delA).
Protein change: p.Glu1234fs; shifts the reading frame from glutamic acid 1234.
Molecular consequence: frameshift variant.
Genome position (GRCh38, 1-based): chr2:47,806,256, A deleted; the last of 3 consecutive A bases (chr2:47,806,254-47,806,256); deleting any one gives the same sequence. VCF-style (leftmost placement, unchanged base first): chr2-47806253-TA-T. GRCh37 (hg19) VCF-style: chr2-48033392-TA-T.
Other names: c.3699delA (NM_000179.2); c.3309del, p.Glu1104fs (NM_001281492.2); c.2793del, p.Glu932fs (NM_001281493.2, NM_001281494.2); short protein forms E1104fs, E932fs, E1234fs.
Identifiers: ClinVar variation 566264 (VCV000566264.15), dbSNP rs1558392033, ClinGen allele CA891843278.
Genomic context (GRCh38, chr2:47,806,253, plus strand): 5'-TACTTTAACAGGAAGAGGTACTGCAACATTTGATGGGACGGCAATAGCAAATGCAGTTGT[TA>T]AAGAACTTGCTGAGACTATAAAATGTCGTACATTATTTTCAACTCACTACCATTCATTAG-3'